The following is an entry in ClinVar:

NM_000466.3(PEX1):c.1528G>A (p.Glu510Lys)

Gene: PEX1 (peroxisomal biogenesis factor 1; minus strand). Cytogenetic location: 7q21.2.
Variant type: single nucleotide variant.
Coding change: c.1528G>A on transcript NM_000466.3 (MANE Select); coding-DNA position 1528, G replaced by A.
Protein change: p.Glu510Lys; replaces glutamic acid 510 with lysine.
Molecular consequence: missense variant.
Genome position (GRCh38, 1-based): chr7:92,511,003, C>T on the plus strand (G>A on the coding strand, the complement: PEX1 is on the minus strand). VCF-style: chr7-92511003-C-T. GRCh37 (hg19) VCF-style: chr7-92140317-C-T.
Other names: c.1528G>A, p.Glu510Lys (NM_001282677.2); c.904G>A, p.Glu302Lys (NM_001282678.2); short protein forms E302K, E510K.
Identifiers: ClinVar variation 3251801 (VCV003251801.1), dbSNP rs754983126.

ClinVar aggregate classification (germline): Uncertain significance (1 of 4 stars; one submission).

Submission:

Women's Health and Genetics/Laboratory Corporation of America, LabCorp
Classification: Uncertain significance. Last evaluated: 2024-04-22. Review status: criteria provided, single submitter. Criteria: LabCorp Variant Classification Summary - May 2015. Collection method: clinical testing. Allele origin: germline.
Comment: Variant summary: PEX1 c.1528G>A (p.Glu510Lys) results in a conservative amino acid change in the encoded protein sequence. Four of five in-silico tools predict a benign effect of the variant on protein function. The variant allele was found at a frequency of 4e-06 in 249036 control chromosomes. The available data on variant occurrences in the general population are insufficient to allow any conclusion about variant significance. To our knowledge, no occurrence of c.1528G>A in individuals affected with Zellweger Syndrome and no experimental evidence demonstrating its impact on protein function have been reported. No submitters have cited clinical-significance assessments for this variant to ClinVar. Based on the evidence outlined above, the variant was classified as uncertain significance.